The following is an entry in ClinVar:

NM_000170.3(GLDC):c.43G>A (p.Gly15Arg)

Gene: GLDC (glycine decarboxylase; minus strand). Cytogenetic location: 9p24.1.
Variant type: single nucleotide variant.
Coding change: c.43G>A on transcript NM_000170.3 (MANE Select); coding-DNA position 43, G replaced by A.
Protein change: p.Gly15Arg; replaces glycine 15 with arginine.
Molecular consequence: missense variant.
Genome position (GRCh38, 1-based): chr9:6,645,457, C>T on the plus strand (G>A on the coding strand, the complement: GLDC is on the minus strand). VCF-style: chr9-6645457-C-T. GRCh37 (hg19) VCF-style: chr9-6645457-C-T.
Other names: short protein forms G15R.
Identifiers: ClinVar variation 2577619 (VCV002577619.1), dbSNP rs1349671382, ClinGen allele CA372887460.

ClinVar aggregate classification (germline): Uncertain significance (1 of 4 stars; one submission).

Allele frequency attached by ClinVar (database versions not stated): TOPMed 0.00001.

Submission:

GeneDx
Classification: Uncertain significance. Last evaluated: 2023-02-27. Review status: criteria provided, single submitter. Criteria: GeneDx Variant Classification Process June 2021. Collection method: clinical testing. Allele origin: germline. Affected: yes.
Comment: Not observed at significant frequency in large population cohorts (gnomAD); In silico analysis supports that this missense variant does not alter protein structure/function; Has not been previously published as pathogenic or benign to our knowledge